The following is an entry in ClinVar:

NM_000384.3(APOB):c.4207A>C (p.Asn1403His)

Gene: APOB (apolipoprotein B; minus strand). Cytogenetic location: 2p24.1.
Variant type: single nucleotide variant.
Coding change: c.4207A>C on transcript NM_000384.3 (MANE Select); coding-DNA position 4207, A replaced by C.
Protein change: p.Asn1403His; replaces asparagine 1403 with histidine.
Molecular consequence: missense variant.
Genome position (GRCh38, 1-based): chr2:21,013,169, T>G on the plus strand (A>C on the coding strand, the complement: APOB is on the minus strand). VCF-style: chr2-21013169-T-G. GRCh37 (hg19) VCF-style: chr2-21236041-T-G.
Other names: short protein forms N1403H.
Identifiers: ClinVar variation 5027150 (VCV005027150.1), dbSNP rs1439624189.

ClinVar aggregate classification (germline): Uncertain significance (1 of 4 stars; one submission).

Conditions:
Cardiovascular phenotype. Identifiers: MedGen CN230736.

Allele frequency attached by ClinVar (database versions not stated): TOPMed 0.00002.
gnomAD v4.1: 2 of 1,613,696 alleles (0.00012%); highest among the groups gnomAD compares: Non-Finnish European, 0.00017%; no homozygotes.

Submission:

Ambry Genetics
Classification: Uncertain significance for Cardiovascular phenotype. Last evaluated: 2026-07-02. Review status: criteria provided, single submitter. Criteria: Ambry Variant Classification Scheme 2023. Collection method: clinical testing. Allele origin: germline.
Comment: The p.N1403H variant (also known as c.4207A>C), located in coding exon 25 of the APOB gene, results from an A to C substitution at nucleotide position 4207. The asparagine at codon 1403 is replaced by histidine, an amino acid with similar properties. This amino acid position is conserved. In addition, this alteration is predicted to be tolerated by in silico analysis. Based on the available evidence, the clinical significance of this variant remains unclear.